The following is an entry in ClinVar:

ClinVar aggregate classification (germline): Uncertain significance (1 of 4 stars; one submission).

Conditions:
Gorlin syndrome. Also called: Basal cell nevus syndrome; Nevoid Basal Cell Carcinoma Syndrome. Identifiers: Orphanet 377, MedGen C0004779, MONDO:0007187.

Allele frequency attached by ClinVar (database versions not stated): gnomAD exomes below 0.00001; ExAC 0.00001; gnomAD 0.00001; ESP Exome Variant Server 0.00023.

Submission:

Labcorp Genetics (formerly Invitae), Labcorp
Classification: Uncertain significance for Gorlin syndrome. Last evaluated: 2026-01-19. Review status: criteria provided, single submitter. Criteria: Invitae Variant Classification Sherloc (09022015). Collection method: clinical testing. Allele origin: germline.
Comment: This sequence change affects codon 790 of the PTCH2 mRNA. It is a 'silent' change, meaning that it does not change the encoded amino acid sequence of the PTCH2 protein. It affects a nucleotide within the consensus splice site. This variant is present in population databases (rs149763015, gnomAD 0.002%). This variant has not been reported in the literature in individuals affected with PTCH2-related conditions. ClinVar contains an entry for this variant (Variation ID: 2737821). Algorithms developed to predict the effect of sequence changes on RNA splicing suggest that this variant is not likely to affect RNA splicing. In summary, the available evidence is currently insufficient to determine the role of this variant in disease. Therefore, it has been classified as a Variant of Uncertain Significance.

NM_003738.5(PTCH2):c.2370G>A (p.Gln790=)

Gene: PTCH2 (patched 2; minus strand). Cytogenetic location: 1p34.1.
Variant type: single nucleotide variant.
Coding change: c.2370G>A on transcript NM_003738.5 (MANE Select); coding-DNA position 2370, G replaced by A.
Protein change: p.Gln790=; no amino-acid change (glutamine 790 retained).
Molecular consequence: synonymous variant.
Genome position (GRCh38, 1-based): chr1:44,827,403, C>T on the plus strand (G>A on the coding strand, the complement: PTCH2 is on the minus strand). VCF-style: chr1-44827403-C-T. GRCh37 (hg19) VCF-style: chr1-45293075-C-T.
Other names: c.2370G>A, p.Gln790= (NM_001166292.2).
Identifiers: ClinVar variation 2737821 (VCV002737821.3), dbSNP rs149763015, ClinGen allele CA823044.